The following is an entry in ClinVar:

NM_170707.4(LMNA):c.772C>G (p.Gln258Glu)

Gene: LMNA (lamin A/C; plus strand). Cytogenetic location: 1q22.
Variant type: single nucleotide variant.
Coding change: c.772C>G on transcript NM_170707.4 (MANE Select); coding-DNA position 772, C replaced by G.
Protein change: p.Gln258Glu; replaces glutamine 258 with glutamic acid.
Molecular consequence: missense variant.
Genome position (GRCh38, 1-based): chr1:156,134,937, C>G. VCF-style: chr1-156134937-C-G. GRCh37 (hg19) VCF-style: chr1-156104728-C-G.
Other names: c.529C>G, p.Gln177Glu (NM_001282624.2); c.772C>G, p.Gln258Glu (NM_001282625.2, NM_001282626.2, NM_005572.4 and 1 more transcripts); c.436C>G, p.Gln146Glu (NM_001257374.3); short protein forms Q146E, Q177E, Q258E.
Identifiers: ClinVar variation 1485973 (VCV001485973.9), dbSNP rs2102881769, ClinGen allele CA342817374.

ClinVar aggregate classification (germline): Uncertain significance. Review status: criteria provided, multiple submitters, no conflicts (2 of 4 stars). 2 submissions from 2 submitters: Uncertain significance (2). Last evaluated 2023-05-04.

Conditions:
Primary dilated cardiomyopathy (DCM). Also called: Dilated Cardiomyopathy. Identifiers: Orphanet 217604, MedGen C0007193, MeSH D002311, MONDO:0005021, HP:0001644. Inheritance: Various modes of inheritance.
Charcot-Marie-Tooth disease type 2. Also called: Charcot-Marie-Tooth type 2. Identifiers: Orphanet 64746, MedGen C0270914, MONDO:0018993.

Allele frequency attached by ClinVar (database versions not stated): gnomAD exomes 0.00001.
gnomAD v4.1: 6 of 1,614,210 alleles (0.00037%); highest among the groups gnomAD compares: Non-Finnish European, 0.00051%; no homozygotes.

Submissions (2):

All of Us Research Program, National Institutes of Health
Classification: Uncertain significance for Primary dilated cardiomyopathy. Last evaluated: 2023-05-04. Review status: criteria provided, single submitter. Criteria: ACMG Guidelines, 2015. Collection method: clinical testing. Allele origin: germline. Inheritance: Autosomal dominant inheritance. Observed: 1 variant allele, 1 heterozygote.
Comment: This missense variant replaces glutamine with glutamic acid at codon 258 of the LMNA protein. Computational prediction suggests that this variant may not impact protein structure and function (internally defined REVEL score threshold <= 0.5, PMID: 27666373). To our knowledge, functional studies have not been reported for this variant. This variant has not been reported in individuals affected with LMNA-related disorders in the literature. This variant has not been identified in the general population by the Genome Aggregation Database (gnomAD). The available evidence is insufficient to determine the role of this variant in disease conclusively. Therefore, this variant is classified as a Variant of Uncertain Significance.

This study involves interpretation of variants in research participants for the purpose of population health screening. Participant phenotype was not available at the time of variant classification. Additional details can be found in publication PMID: 35346344, PMCID: PMC8962531

Labcorp Genetics (formerly Invitae), Labcorp
Classification: Uncertain significance for Charcot-Marie-Tooth disease type 2. Last evaluated: 2021-04-09. Review status: criteria provided, single submitter. Criteria: Invitae Variant Classification Sherloc (09022015). Collection method: clinical testing. Allele origin: germline.
Comment: Algorithms developed to predict the effect of missense changes on protein structure and function (SIFT, PolyPhen-2, Align-GVGD) all suggest that this variant is likely to be tolerated, but these predictions have not been confirmed by published functional studies and their clinical significance is uncertain. In summary, the available evidence is currently insufficient to determine the role of this variant in disease. Therefore, it has been classified as a Variant of Uncertain Significance. This variant has not been reported in the literature in individuals with LMNA-related conditions. This variant is not present in population databases (ExAC no frequency). This sequence change replaces glutamine with glutamic acid at codon 258 of the LMNA protein (p.Gln258Glu). The glutamine residue is highly conserved and there is a small physicochemical difference between glutamine and glutamic acid.